The following is an entry in ClinVar:

NM_152722.5(HEPACAM):c.513del (p.Asn172fs)

Gene: HEPACAM (hepatic and glial cell adhesion molecule; minus strand). Cytogenetic location: 11q24.2.
Variant type: Deletion.
Coding change: c.513del on transcript NM_152722.5 (MANE Select); coding-DNA position 513, one base deleted (G; older notation c.513delG).
Protein change: p.Asn172fs; shifts the reading frame from asparagine 172.
Molecular consequence: frameshift variant.
Genome position (GRCh38, 1-based): chr11:124,923,925, C deleted on the plus strand (G on the coding strand, the reverse complement: HEPACAM is on the minus strand). VCF-style (leftmost placement, unchanged base first): chr11-124923924-TC-T. GRCh37 (hg19) VCF-style: chr11-124793820-TC-T.
Other names: c.513del, p.Asn172fs (NM_001411043.1); short protein forms N172fs.
Identifiers: ClinVar variation 3686032 (VCV003686032.2).

ClinVar aggregate classification (germline): Pathogenic (1 of 4 stars; one submission).

Submission:

Labcorp Genetics (formerly Invitae), Labcorp
Classification: Pathogenic. Last evaluated: 2025-10-02. Review status: criteria provided, single submitter. Criteria: Invitae Variant Classification Sherloc (09022015). Collection method: clinical testing. Allele origin: germline.
Comment: This sequence change creates a premature translational stop signal (p.Asn172Metfs*10) in the HEPACAM gene. It is expected to result in an absent or disrupted protein product. Loss-of-function variants in HEPACAM are known to be pathogenic (PMID: 21419380, 24202401). This variant is not present in population databases (gnomAD no frequency). This variant has not been reported in the literature in individuals affected with HEPACAM-related conditions. ClinVar contains an entry for this variant (Variation ID: 3686032). Algorithms developed to predict the effect of sequence changes on RNA splicing suggest that this variant may create or strengthen a splice site. For these reasons, this variant has been classified as Pathogenic.

Literature cited by the submitters: PubMed 21419380; PubMed 24202401.